The following is an entry in ClinVar:

ClinVar aggregate classification (germline): Uncertain significance (1 of 4 stars; one submission).

Allele frequency attached by ClinVar (database versions not stated): gnomAD exomes below 0.00001; ExAC 0.00001; TOPMed 0.00001.
gnomAD v4.1: 4 of 1,607,638 alleles (0.00025%); highest among the groups gnomAD compares: Non-Finnish European, 0.00034%; no homozygotes.

Submission:

Labcorp Genetics (formerly Invitae), Labcorp
Classification: Uncertain significance. Last evaluated: 2022-06-24. Review status: criteria provided, single submitter. Criteria: Invitae Variant Classification Sherloc (09022015). Collection method: clinical testing. Allele origin: germline.
Comment: In summary, the available evidence is currently insufficient to determine the role of this variant in disease. Therefore, it has been classified as a Variant of Uncertain Significance. Algorithms developed to predict the effect of missense changes on protein structure and function (SIFT, PolyPhen-2, Align-GVGD) all suggest that this variant is likely to be tolerated. This variant has not been reported in the literature in individuals affected with ATF6-related conditions. This variant is present in population databases (rs773614948, gnomAD 0.0009%). This sequence change replaces threonine, which is neutral and polar, with alanine, which is neutral and non-polar, at codon 582 of the ATF6 protein (p.Thr582Ala).

NM_007348.4(ATF6):c.1744A>G (p.Thr582Ala)

Gene: ATF6 (activating transcription factor 6; plus strand). Cytogenetic location: 1q23.3.
Variant type: single nucleotide variant.
Coding change: c.1744A>G on transcript NM_007348.4 (MANE Select); coding-DNA position 1744, A replaced by G.
Protein change: p.Thr582Ala; replaces threonine 582 with alanine.
Molecular consequence: missense variant.
Genome position (GRCh38, 1-based): chr1:161,912,320, A>G. VCF-style: chr1-161912320-A-G. GRCh37 (hg19) VCF-style: chr1-161882110-A-G.
Other names: c.1741A>G, p.Thr581Ala (NM_001410890.1); short protein forms T581A, T582A.
Identifiers: ClinVar variation 2010242 (VCV002010242.4), dbSNP rs773614948, ClinGen allele CA1214593.